The following is an entry in ClinVar:

NM_001384474.1(LOXHD1):c.5410G>A (p.Glu1804Lys)

Gene: LOXHD1 (lipoxygenase homology PLAT domains 1; minus strand). Cytogenetic location: 18q21.1.
Variant type: single nucleotide variant.
Coding change: c.5410G>A on transcript NM_001384474.1 (MANE Select); coding-DNA position 5410, G replaced by A.
Protein change: p.Glu1804Lys; replaces glutamic acid 1804 with lysine.
Molecular consequence: missense variant.
Genome position (GRCh38, 1-based): chr18:46,509,805, C>T on the plus strand (G>A on the coding strand, the complement: LOXHD1 is on the minus strand). VCF-style: chr18-46509805-C-T. GRCh37 (hg19) VCF-style: chr18-44089768-C-T.
Other names: c.2077G>A, p.Glu693Lys (NM_001145472.3); c.127G>A, p.Glu43Lys (NM_001145473.3, NM_001173129.2); c.1789G>A, p.Glu597Lys (NM_001308013.2); c.5224G>A, p.Glu1742Lys (NM_144612.7); short protein forms E1742K, E43K, E597K, E693K, E1804K.
Identifiers: ClinVar variation 47945 (VCV000047945.48), dbSNP rs200242497, ClinGen allele CA142234.

ClinVar aggregate classification (germline): Conflicting classifications of pathogenicity. Review status: criteria provided, conflicting classifications (1 of 4 stars). 13 submissions from 13 submitters: Likely pathogenic (1); Uncertain significance (10). 2 of the submissions do not count toward it. Last evaluated 2025-11-10.

Conditions:
Hearing impairment. Also called: Impaired Hearing. Identifiers: MedGen C1384666, MONDO:0005365, HP:0000365.
Autosomal recessive nonsyndromic hearing loss 77. Identifiers: Orphanet 90636, MedGen C2746083, MONDO:0013119, OMIM 613079.

Allele frequency attached by ClinVar (database versions not stated): 1000 Genomes Project 0.00020; 1000 Genomes Project 30x 0.00031; ExAC 0.00049; gnomAD 0.00055 and 0.00056; gnomAD exomes 0.00077; ESP Exome Variant Server 0.00088.
gnomAD v4.1: 1,300 of 1,550,274 alleles (0.084%); highest among the groups gnomAD compares: Middle Eastern, 0.13%; 1 homozygote.

Submissions (13):

Women's Health and Genetics/Laboratory Corporation of America, LabCorp
Classification: Uncertain significance. Last evaluated: 2025-11-10. Review status: criteria provided, single submitter. Criteria: LabCorp Variant Classification Summary - May 2015. Collection method: clinical testing. Allele origin: germline.
Comment: Variant summary: LOXHD1 c.5224G>A (p.Glu1742Lys) results in a conservative amino acid change in the encoded protein sequence. Algorithms developed to predict the effect of missense changes on protein structure and function are either unavailable or do not agree on the potential impact of this missense change. The variant allele was found at a frequency of 0.00078 in 162512 control chromosomes. This frequency is not significantly higher than estimated for disease-causing variants in LOXHD1, allowing no conclusion about variant significance. c.5224G>A has been observed in individuals affected with Fuchs Corneal Dystrophy (Riazuddin_2012) and Nonsyndromic Hearing Loss And Deafness (Shearer_2013) without strong evidence for causality. These reports do not provide unequivocal conclusions about association of the variant with Nonsyndromic Hearing Loss And Deafness, Type 77. To our knowledge, no experimental evidence demonstrating an impact on protein function has been reported. The following publications have been ascertained in the context of this evaluation (PMID: 36147510, 22341973, 23804846). ClinVar contains an entry for this variant (Variation ID: 47945). Based on the evidence outlined above, the variant was classified as uncertain significance.

CeGaT Center for Human Genetics Tuebingen
Classification: Uncertain significance. Last evaluated: 2025-10-01. Review status: criteria provided, single submitter. Criteria: CeGaT Center For Human Genetics Tuebingen Variant Classification Criteria Version 2. Collection method: clinical testing. Allele origin: germline. Affected: yes. Observed: 2 variant alleles.

Blueprint Genetics
Classification: Uncertain significance. Last evaluated: 2024-11-27. Review status: criteria provided, single submitter. Criteria: ACMG Guidelines, 2015. Collection method: clinical testing. Allele origin: germline.

Labcorp Genetics (formerly Invitae), Labcorp
Classification: Uncertain significance. Last evaluated: 2024-11-11. Review status: criteria provided, single submitter. Criteria: Invitae Variant Classification Sherloc (09022015). Collection method: clinical testing. Allele origin: germline.
Comment: This sequence change replaces glutamic acid, which is acidic and polar, with lysine, which is basic and polar, at codon 1742 of the LOXHD1 protein (p.Glu1742Lys). This variant is present in population databases (rs200242497, gnomAD 0.2%), and has an allele count higher than expected for a pathogenic variant. This missense change has been observed in individual(s) with Fuchs corneal dystrophy (PMID: 22341973). ClinVar contains an entry for this variant (Variation ID: 47945). An algorithm developed to predict the effect of missense changes on protein structure and function (PolyPhen-2) suggests that this variant is likely to be disruptive. In summary, the available evidence is currently insufficient to determine the role of this variant in disease. Therefore, it has been classified as a Variant of Uncertain Significance.

Mayo Clinic Laboratories, Mayo Clinic
Classification: Uncertain significance. Last evaluated: 2022-04-13. Review status: criteria provided, single submitter. Criteria: ACMG Guidelines, 2015. Collection method: clinical testing. Allele origin: germline. Observed: 1 variant allele.
Comment: BS1_supporting, BP4

Myriad Genetics, Inc.
Classification: Uncertain significance for Autosomal recessive nonsyndromic hearing loss 77. Last evaluated: 2021-10-20. Review status: criteria provided, single submitter. Criteria: Myriad Women's Health Autosomal Recessive and X-Linked Classification Criteria (2021). Collection method: clinical testing. Allele origin: unknown.
Comment: NM_144612.6(LOXHD1):c.5224G>A(E1742K) is a missense variant classified as a variant of uncertain significance in the context of LOXHD1-related DFNB77 hearing loss and deafness. E1742K has been observed in cases with relevant disease (PMID: 23804846). Functional assessments of this variant are not available in the literature. E1742K has been observed in population frequency databases (gnomAD: ASJ 0.2%). In summary, there is insufficient evidence to classify NM_144612.6(LOXHD1):c.5224G>A(E1742K) as pathogenic or benign. Please note: this variant was assessed in the context of healthy population screening.

Department of Pathology and Laboratory Medicine, Sinai Health System
Classification: Uncertain significance for Autosomal recessive nonsyndromic hearing loss 77. Last evaluated: 2021-10-16. Review status: criteria provided, single submitter. Criteria: ACMG Guidelines, 2015. Collection method: research. Allele origin: germline.

Eurofins Ntd Llc (ga)
Classification: Uncertain significance. Last evaluated: 2017-07-20. Review status: criteria provided, single submitter. Criteria: EGL Classification Definitions 2015. Collection method: clinical testing. Allele origin: germline. Observed: 1 variant allele, 1 heterozygote.

Illumina Laboratory Services, Illumina
Classification: Uncertain significance for Autosomal recessive nonsyndromic hearing loss 77. Last evaluated: 2017-04-27. Review status: criteria provided, single submitter. Criteria: ICSL Variant Classification Criteria 13 December 2019. Collection method: clinical testing. Allele origin: germline.
Comment: This variant was observed as part of a predisposition screen in an ostensibly healthy population. A literature search was performed for the gene, cDNA change, and amino acid change (where applicable). Publications were found based on this search. However, the evidence from the literature, in combination with allele frequency data from public databases where available, was not sufficient to rule this variant in or out of causing disease. Therefore, this variant is classified as a variant of unknown significance.

Laboratory for Molecular Medicine, Mass General Brigham Personalized Medicine
Classification: Uncertain significance. Last evaluated: 2013-10-17. Review status: criteria provided, single submitter. Criteria: LMM Criteria. Collection method: clinical testing. Allele origin: germline. Observed: 5 variant alleles.
Comment: Variant classified as Uncertain Significance - Favor Benign. The Glu1742Lys vari ant in LOXHD1 has been reported in one individual with Fuchs' corneal dystrophy (Riazuddin 2012). This variant has also been identified in 0.1% (4/3182) of Europea n American chromosomes by the NHLBI Exome Sequencing Project (dbSNP rs200242497), but this frequency is not high enough to ru le out a pathogenic role. Computational analyses (biochemical amino acid propert ies, conservation, AlignGVGD, PolyPhen2, and SIFT) do not provide strong support for or against an impact to the protein. In summary, the clinical significance of this variant cannot be determined with certainty; however, based upon the arg uments described above, we lean towards a more likely benign role.

Kariminejad - Najmabadi Pathology & Genetics Center
Classification: Likely pathogenic for Autosomal recessive nonsyndromic hearing loss 77. Review status: criteria provided, single submitter. Criteria: ACMG Guidelines, 2015. Collection method: clinical testing. Allele origin: germline. Affected: no.

Natera, Inc.
Classification: Uncertain significance for Autosomal recessive deafness type 77. Last evaluated: 2020-01-06. Review status: no assertion criteria provided. Collection method: clinical testing. Allele origin: germline. Not counted in ClinVar's aggregate classification.

Department of Otolaryngology – Head & Neck Surgery, Cochlear Implant Center
Classification: Likely pathogenic for Hearing impairment. Last evaluated: 2021-04-12. Review status: flagged submission. Criteria: ClinGen HL ACMG Specifications v1. Collection method: clinical testing. Allele origin: germline. Affected: yes. Not counted in ClinVar's aggregate classification.
Comment: PS1_Strong, PM2_Supporting
ClinVar note: Reason: Outlier claim with insufficient supporting evidence

Literature cited by the submitters: PubMed 23804846 (cited by Women's Health and Genetics/Laboratory Corporation of America, LabCorp and Myriad Genetics, Inc.); PubMed 22341973 (cited by 4 submitters); PubMed 36147510 (cited by Women's Health and Genetics/Laboratory Corporation of America, LabCorp).